The following is an entry in ClinVar:

NM_001113491.2(SEPTIN9):c.*373G>A

Gene: SEPTIN9 (septin 9; plus strand). Cytogenetic location: 17q25.3.
Variant type: single nucleotide variant.
Coding change: c.*373G>A on transcript NM_001113491.2 (MANE Select); 373 bases downstream of the stop codon, G replaced by A.
Molecular consequence: 3 prime UTR variant.
Genome position (GRCh38, 1-based): chr17:77,499,031, G>A. VCF-style: chr17-77499031-G-A. GRCh37 (hg19) VCF-style: chr17-75495113-G-A.
Other names: c.*373G>A (NM_001113496.2, NM_001293695.2, NM_001293696.2 and 7 more transcripts).
Identifiers: ClinVar variation 889846 (VCV000889846.4), dbSNP rs139898898, ClinGen allele CA8793979.
Genomic context (GRCh38, chr17:77,499,031, plus strand): 5'-AGATCATCCGTCTGTGTGGGGTTCTCAGTGCCGGAGGCCTTGGGGTGGGGGCCAGGCCTC[G>A]CACTTGCAGAGGAGCCCAGTGGGCTGCACGCTCCCCTCCATCCCCATCGGCCCTGTCCCC-3'

ClinVar aggregate classification (germline): Benign (1 of 4 stars; one submission).

Conditions:
Amyotrophic neuralgia (HNA). Also called: AMYOTROPHY, HEREDITARY NEURALGIC; AMYOTROPHY, HEREDITARY NEURALGIC, WITH PREDILECTION FOR BRACHIAL PLEXUS; Hereditary Brachial Plexus Neuropathy; Neuritis with Brachial Predilection. Identifiers: Orphanet 2901, MedGen C1834304, MONDO:0008076, OMIM 162100.

Allele frequency attached by ClinVar (database versions not stated): 1000 Genomes Project 0.00739; gnomAD 0.00772 and 0.00838; ExAC 0.00112; 1000 Genomes Project 30x 0.00859; TOPMed 0.00862.
gnomAD v4.1: 1,714 of 538,556 alleles (0.32%); highest among the groups gnomAD compares: African/African-American, 2.7%; 29 homozygotes.

Submission:

Illumina Laboratory Services, Illumina
Classification: Benign for Amyotrophy, hereditary neuralgic. Last evaluated: 2018-01-12. Review status: criteria provided, single submitter. Criteria: ICSL Variant Classification Criteria 13 December 2019. Collection method: clinical testing. Allele origin: germline.
Comment: This variant was observed in the ICSL laboratory as part of a predisposition screen in an ostensibly healthy population. It had not been previously curated by ICSL or reported in the Human Gene Mutation Database (HGMD: prior to June 1st, 2018), and was therefore a candidate for classification through an automated scoring system. Utilizing variant allele frequency, disease prevalence and penetrance estimates, and inheritance mode, an automated score was calculated to assess if this variant is too frequent to cause the disease. Based on the score and internal cut-off values, a variant classified as benign is not then subjected to further curation. The score for this variant resulted in a classification of benign for this disease.